The following is an entry in ClinVar:

ClinVar aggregate classification (germline): Uncertain significance (1 of 4 stars; one submission).

Allele frequency attached by ClinVar (database versions not stated): TOPMed below 0.00001.
gnomAD v4.1: 1 of 1,613,348 alleles (0.000062%); highest among the groups gnomAD compares: Admixed American, 0.0017%; no homozygotes.

Submission:

Labcorp Genetics (formerly Invitae), Labcorp
Classification: Uncertain significance. Last evaluated: 2022-06-27. Review status: criteria provided, single submitter. Criteria: Invitae Variant Classification Sherloc (09022015). Collection method: clinical testing. Allele origin: germline.
Comment: This sequence change replaces leucine, which is neutral and non-polar, with valine, which is neutral and non-polar, at codon 77 of the DYM protein (p.Leu77Val). This variant is present in population databases (rs780426777, gnomAD 0.003%). This variant has not been reported in the literature in individuals affected with DYM-related conditions. Algorithms developed to predict the effect of missense changes on protein structure and function are either unavailable or do not agree on the potential impact of this missense change (SIFT: "Deleterious"; PolyPhen-2: "Probably Damaging"; Align-GVGD: "Class C0"). Algorithms developed to predict the effect of sequence changes on RNA splicing suggest that this variant may create or strengthen a splice site. In summary, the available evidence is currently insufficient to determine the role of this variant in disease. Therefore, it has been classified as a Variant of Uncertain Significance.

NM_001353214.3(DYM):c.229C>G (p.Leu77Val)

Gene: DYM (dymeclin; minus strand). Cytogenetic location: 18q21.1.
Variant type: single nucleotide variant.
Coding change: c.229C>G on transcript NM_001353214.3 (MANE Select); coding-DNA position 229, C replaced by G.
Protein change: p.Leu77Val; replaces leucine 77 with valine.
Molecular consequence: missense variant. On other transcripts: intron variant (5).
Genome position (GRCh38, 1-based): chr18:49,379,723, G>C on the plus strand (C>G on the coding strand, the complement: DYM is on the minus strand). VCF-style: chr18-49379723-G-C. GRCh37 (hg19) VCF-style: chr18-46906093-G-C.
Other names: c.229C>G, p.Leu77Val (NM_001353215.3, NM_001353216.3, NM_001374428.1 and 12 more transcripts); c.226C>G, p.Leu76Val (NM_001374429.1, NM_001353211.3, NM_001353212.3 and 1 more transcripts); c.193+11870C>G (NM_001374440.1, NM_001374443.1, NM_001374444.1 and 2 more transcripts); short protein forms L77V, L76V.
Identifiers: ClinVar variation 1490851 (VCV001490851.8), dbSNP rs780426777, ClinGen allele CA8958454.